The following is an entry in ClinVar:

ClinVar aggregate classification (germline): Uncertain significance (1 of 4 stars; one submission).

Conditions:
Werner syndrome (WRN). Identifiers: Orphanet 902, MedGen C0043119, MONDO:0010196, OMIM 277700.

Allele frequency attached by ClinVar (database versions not stated): gnomAD 0.00004; TOPMed 0.00005.
gnomAD v4.1: 70 of 1,613,922 alleles (0.0043%); highest among the groups gnomAD compares: Middle Eastern, 0.016%; no homozygotes.

Submission:

Labcorp Genetics (formerly Invitae), Labcorp
Classification: Uncertain significance for Werner syndrome. Last evaluated: 2025-10-10. Review status: criteria provided, single submitter. Criteria: Invitae Variant Classification Sherloc (09022015). Collection method: clinical testing. Allele origin: germline.
Comment: This sequence change replaces threonine, which is neutral and polar, with serine, which is neutral and polar, at codon 703 of the WRN protein (p.Thr703Ser). This variant is present in population databases (rs201384942, gnomAD 0.02%). This variant has not been reported in the literature in individuals affected with WRN-related conditions. ClinVar contains an entry for this variant (Variation ID: 528098). An algorithm developed to predict the effect of missense changes on protein structure and function outputs the following: PolyPhen-2: "Possibly Damaging". The serine amino acid residue is found in multiple mammalian species, which suggests that this missense change does not adversely affect protein function. RNA analysis performed to evaluate the impact of this missense change on mRNA splicing indicates it does not significantly alter splicing (internal data). In summary, the available evidence is currently insufficient to determine the role of this variant in disease. Therefore, it has been classified as a Variant of Uncertain Significance.

NM_000553.6(WRN):c.2108C>G (p.Thr703Ser)

Gene: WRN (WRN RecQ like helicase; plus strand). Cytogenetic location: 8p12.
Variant type: single nucleotide variant.
Coding change: c.2108C>G on transcript NM_000553.6 (MANE Select); coding-DNA position 2108, C replaced by G.
Protein change: p.Thr703Ser; replaces threonine 703 with serine.
Molecular consequence: missense variant.
Genome position (GRCh38, 1-based): chr8:31,111,634, C>G. VCF-style: chr8-31111634-C-G. GRCh37 (hg19) VCF-style: chr8-30969150-C-G.
Other names: short protein forms T703S.
Identifiers: ClinVar variation 528098 (VCV000528098.7), dbSNP rs201384942, ClinGen allele CA4704644.